The following is an entry in ClinVar:

NM_001113491.2(SEPTIN9):c.1125-5C>T

Gene: SEPTIN9 (septin 9; plus strand). Cytogenetic location: 17q25.3.
Variant type: single nucleotide variant.
Coding change: c.1125-5C>T on transcript NM_001113491.2 (MANE Select); 5 bases into the intron before coding-DNA position 1125, C replaced by T.
Molecular consequence: intron variant.
Genome position (GRCh38, 1-based): chr17:77,488,722, C>T. VCF-style: chr17-77488722-C-T. GRCh37 (hg19) VCF-style: chr17-75484804-C-T.
Other names: p.?; c.1068-5C>T (NM_001293695.2); c.633-5C>T (NM_001113492.2, NM_001113494.1); c.1071-5C>T (NM_006640.5); c.1104-5C>T (NM_001113493.2); c.453-5C>T (NM_001293696.2); c.372-5C>T (NM_001113496.2, NM_001293697.2, NM_001293698.2 and 1 more transcripts); c.1125-5C>T (NM_001113491.1).
Identifiers: ClinVar variation 325558 (VCV000325558.19), dbSNP rs73377525, ClinGen allele CA8793700.

ClinVar aggregate classification (germline): Benign/Likely benign. Review status: criteria provided, multiple submitters, no conflicts (2 of 4 stars). 7 submissions from 7 submitters: Benign (5); Likely benign (2). Last evaluated 2026-02-20.

Conditions:
Amyotrophic neuralgia (HNA). Also called: AMYOTROPHY, HEREDITARY NEURALGIC, WITH PREDILECTION FOR BRACHIAL PLEXUS; AMYOTROPHY, HEREDITARY NEURALGIC; Hereditary Brachial Plexus Neuropathy; Neuritis with Brachial Predilection. Identifiers: Orphanet 2901, MedGen C1834304, MONDO:0008076, OMIM 162100.
SEPTIN9-related disorder. Also called: SEPTIN9-related condition.

Allele frequency attached by ClinVar (database versions not stated): gnomAD exomes 0.00779 and 0.01151; gnomAD 0.01030 and 0.01124; TOPMed 0.01138; ESP Exome Variant Server 0.01154; ExAC 0.01244; 1000 Genomes Project 0.01997; 1000 Genomes Project 30x 0.02061.
gnomAD v4.1: 13,187 of 1,613,616 alleles (0.82%); highest among the groups gnomAD compares: South Asian, 3.7%; 147 homozygotes.

Submissions (7):

PreventionGenetics, part of Exact Sciences
Classification: Benign for SEPTIN9-related condition. Last evaluated: 2026-02-20. Review status: criteria provided, single submitter. Criteria: ACMG Guidelines, 2015. Collection method: clinical testing. Allele origin: germline.
Comment: This variant is classified as benign based on ACMG/AMP sequence variant interpretation guidelines (Richards et al. 2015 PMID: 25741868, with internal and published modifications).

Labcorp Genetics (formerly Invitae), Labcorp
Classification: Benign. Last evaluated: 2026-02-01. Review status: criteria provided, single submitter. Criteria: Invitae Variant Classification Sherloc (09022015). Collection method: clinical testing. Allele origin: germline.

Mayo Clinic Laboratories, Mayo Clinic
Classification: Benign. Last evaluated: 2025-02-07. Review status: criteria provided, single submitter. Criteria: ACMG Guidelines, 2015. Collection method: clinical testing. Allele origin: germline. Observed: 7 variant alleles.
Comment: BS1, BS2, BP4

Genome-Nilou Lab
Classification: Benign for Amyotrophic neuralgia. Last evaluated: 2021-12-05. Review status: criteria provided, single submitter. Criteria: ACMG Guidelines, 2015. Collection method: clinical testing. Allele origin: germline. Affected: no.

GeneDx
Classification: Likely benign. Last evaluated: 2021-05-12. Review status: criteria provided, single submitter. Criteria: GeneDx Variant Classification Process June 2021. Collection method: clinical testing. Allele origin: germline. Affected: yes.

Illumina Laboratory Services, Illumina
Classification: Benign for Amyotrophy, hereditary neuralgic. Last evaluated: 2018-01-13. Review status: criteria provided, single submitter. Criteria: ICSL Variant Classification Criteria 13 December 2019. Collection method: clinical testing. Allele origin: germline.
Comment: This variant was observed in the ICSL laboratory as part of a predisposition screen in an ostensibly healthy population. It had not been previously curated by ICSL or reported in the Human Gene Mutation Database (HGMD: prior to June 1st, 2018), and was therefore a candidate for classification through an automated scoring system. Utilizing variant allele frequency, disease prevalence and penetrance estimates, and inheritance mode, an automated score was calculated to assess if this variant is too frequent to cause the disease. Based on the score and internal cut-off values, a variant classified as benign is not then subjected to further curation. The score for this variant resulted in a classification of benign for this disease.

Breakthrough Genomics
Classification: Likely benign. Review status: criteria provided, single submitter. Criteria: ACMG Guidelines, 2015. Collection method: not provided. Allele origin: germline. Inheritance: Autosomal dominant inheritance. Affected: yes.